The following is an entry in ClinVar:

NM_001134363.3(RBM20):c.1653G>A (p.Met551Ile)

Gene: RBM20 (RNA binding motif protein 20; plus strand). Cytogenetic location: 10q25.2.
Variant type: single nucleotide variant.
Coding change: c.1653G>A on transcript NM_001134363.3 (MANE Select); coding-DNA position 1653, G replaced by A.
Protein change: p.Met551Ile; replaces methionine 551 with isoleucine.
Molecular consequence: missense variant.
Genome position (GRCh38, 1-based): chr10:110,797,633, G>A. VCF-style: chr10-110797633-G-A. GRCh37 (hg19) VCF-style: chr10-112557391-G-A.
Other names: short protein forms M551I.
Identifiers: ClinVar variation 961437 (VCV000961437.9), dbSNP rs1844568460, ClinGen allele CA378390258.

ClinVar aggregate classification (germline): Uncertain significance (1 of 4 stars; one submission).

Conditions:
Dilated cardiomyopathy 1DD (CMD1DD). Identifiers: Orphanet 154, MedGen C2750995, MONDO:0013168, OMIM 613172.

Submission:

Labcorp Genetics (formerly Invitae), Labcorp
Classification: Uncertain significance for Dilated cardiomyopathy 1DD. Last evaluated: 2019-10-21. Review status: criteria provided, single submitter. Criteria: Invitae Variant Classification Sherloc (09022015). Collection method: clinical testing. Allele origin: germline.
Comment: In summary, the available evidence is currently insufficient to determine the role of this variant in disease. Therefore, it has been classified as a Variant of Uncertain Significance. Algorithms developed to predict the effect of missense changes on protein structure and function are either unavailable or do not agree on the potential impact of this missense change (SIFT: "Deleterious"; PolyPhen-2: "Probably Damaging"; Align-GVGD: "Class C0"). This variant has not been reported in the literature in individuals with RBM20-related conditions. This variant is not present in population databases (ExAC no frequency). This sequence change replaces methionine with isoleucine at codon 551 of the RBM20 protein (p.Met551Ile). The methionine residue is highly conserved and there is a small physicochemical difference between methionine and isoleucine.